The following is an entry in ClinVar:

NM_000051.4(ATM):c.6506T>G (p.Leu2169Arg)

Genes: C11orf65 (chromosome 11 open reading frame 65; minus strand), ATM (ATM serine/threonine kinase; plus strand). Cytogenetic location: 11q22.3.
Variant type: single nucleotide variant.
Coding change: c.6506T>G on transcript NM_000051.4 (MANE Select); coding-DNA position 6506, T replaced by G.
Protein change: p.Leu2169Arg; replaces leucine 2169 with arginine.
Molecular consequence: missense variant. On other transcripts: intron variant (2).
Genome position (GRCh38, 1-based): chr11:108,321,354, T>G. VCF-style: chr11-108321354-T-G. GRCh37 (hg19) VCF-style: chr11-108192081-T-G.
Other names: c.6506T>G, p.Leu2169Arg (NM_001351834.2); c.641-12283A>C (NM_001330368.2); c.*39-12283A>C (NM_001351110.2); short protein forms L2169R.
Identifiers: ClinVar variation 627885 (VCV000627885.9), dbSNP rs748054311, ClinGen allele CA6265960.
Genomic context (GRCh38, chr11:108,321,354, plus strand): 5'-CTACTAGAGTAAAAGAAGTGGAAGAGATGTGTAAGCGCAGCCTTGAGTCTGTGTATTCGC[T>G]CTATCCCACACTTAGCAGGTTGCAGGCCATTGGAGAGCTGGAAAGCATTGGGGAGCTTTT-3'
Protein context (NP_000042.3, residues 2159-2179): CKRSLESVYS[Leu2169Arg]YPTLSRLQAI

ClinVar aggregate classification (germline): Uncertain significance. Review status: criteria provided, multiple submitters, no conflicts (2 of 4 stars). 3 submissions from 3 submitters: Uncertain significance (3). Last evaluated 2026-05-05.

Conditions:
Hereditary cancer-predisposing syndrome. Also called: Tumor predisposition; Hereditary neoplastic syndrome; Neoplastic Syndromes, Hereditary; Hereditary Cancer Syndrome. Identifiers: Orphanet 140162, MedGen C0027672, MeSH D009386, MONDO:0015356.
Ataxia-telangiectasia syndrome (AT). Also called: Ataxia-telangiectasia, complementation group D; AT, COMPLEMENTATION GROUP C; ATAXIA-TELANGIECTASIA, COMPLEMENTATION GROUP A; ATAXIA-TELANGIECTASIA, FRESNO VARIANT; Ataxia-telangiectasia; LOUIS-BAR SYNDROME. Identifiers: Orphanet 100, MedGen C0004135, MONDO:0008840, OMIM 208900.

Allele frequency attached by ClinVar (database versions not stated): gnomAD below 0.00001 and 0.00001; gnomAD exomes below 0.00001; ExAC 0.00001.
gnomAD v4.1: 4 of 1,614,074 alleles (0.00025%); highest among the groups gnomAD compares: South Asian, 0.0044%; no homozygotes.

Submissions (3):

Ambry Genetics
Classification: Uncertain significance for Hereditary cancer-predisposing syndrome. Last evaluated: 2026-05-05. Review status: criteria provided, single submitter. Criteria: Ambry Variant Classification Scheme 2023. Collection method: clinical testing. Allele origin: germline.
Comment: The p.L2169R variant (also known as c.6506T>G), located in coding exon 44 of the ATM gene, results from a T to G substitution at nucleotide position 6506. The leucine at codon 2169 is replaced by arginine, an amino acid with dissimilar properties. In an assay testing ATM function, this variant showed a functionally abnormal result (Lee KS et al. Cell, 2025 Sep;188:5081-5099.e27). This amino acid position is highly conserved in available vertebrate species. In addition, this alteration is predicted to be deleterious by in silico analysis. Based on the available evidence, the clinical significance of this variant remains unclear.

Labcorp Genetics (formerly Invitae), Labcorp
Classification: Uncertain significance for Ataxia-telangiectasia syndrome. Last evaluated: 2024-08-17. Review status: criteria provided, single submitter. Criteria: Invitae Variant Classification Sherloc (09022015). Collection method: clinical testing. Allele origin: germline.
Comment: This sequence change replaces leucine, which is neutral and non-polar, with arginine, which is basic and polar, at codon 2169 of the ATM protein (p.Leu2169Arg). This variant is present in population databases (rs748054311, gnomAD 0.003%). This variant has not been reported in the literature in individuals affected with ATM-related conditions. ClinVar contains an entry for this variant (Variation ID: 627885). An algorithm developed to predict the effect of missense changes on protein structure and function (PolyPhen-2) suggests that this variant is likely to be disruptive. In summary, the available evidence is currently insufficient to determine the role of this variant in disease. Therefore, it has been classified as a Variant of Uncertain Significance.

Color Diagnostics, LLC DBA Color Health
Classification: Uncertain significance for Hereditary cancer-predisposing syndrome. Last evaluated: 2023-12-07. Review status: criteria provided, single submitter. Criteria: ACMG Guidelines, 2015. Collection method: clinical testing. Allele origin: germline.
Comment: This missense variant replaces leucine with arginine at codon 2169 of the ATM protein. Computational prediction suggests that this variant may have deleterious impact on protein structure and function. To our knowledge, functional studies have not been reported for this variant. This variant has not been reported in individuals affected with ATM-related disorders in the literature. This variant has been identified in 1/251448 chromosomes in the general population by the Genome Aggregation Database (gnomAD). The available evidence is insufficient to determine the role of this variant in disease conclusively. Therefore, this variant is classified as a Variant of Uncertain Significance.

Literature cited by the submitters: PubMed 40580951 (cited by Ambry Genetics).